The following is an entry in ClinVar:

ClinVar aggregate classification (germline): Uncertain significance (1 of 4 stars; one submission).

Conditions:
Acute myeloid leukemia (AML). Also called: Acute myeloid leukemia, adult; AML adult; Acute non-lymphocytic leukemia; Acute granulocytic leukemia; Leukemia, acute myeloid, somatic; Leukemia, acute myelogenous, somatic. Identifiers: Orphanet 519, MedGen C0023467, MeSH D015470, MONDO:0018874, OMIM 601626, HP:0004808. Disease mechanism: Constitutively activated FLT3.

Submission:

Labcorp Genetics (formerly Invitae), Labcorp
Classification: Uncertain significance for Acute myeloid leukemia. Last evaluated: 2022-05-16. Review status: criteria provided, single submitter. Criteria: Invitae Variant Classification Sherloc (09022015). Collection method: clinical testing. Allele origin: germline.
Comment: This sequence change replaces leucine, which is neutral and non-polar, with methionine, which is neutral and non-polar, at codon 206 of the CEBPA protein (p.Leu206Met). This variant is not present in population databases (gnomAD no frequency). This variant has not been reported in the literature in individuals affected with CEBPA-related conditions. Algorithms developed to predict the effect of missense changes on protein structure and function are either unavailable or do not agree on the potential impact of this missense change (SIFT: "Tolerated"; PolyPhen-2: "Probably Damaging"; Align-GVGD: "Class C0"). In summary, the available evidence is currently insufficient to determine the role of this variant in disease. Therefore, it has been classified as a Variant of Uncertain Significance.

NM_004364.5(CEBPA):c.616C>A (p.Leu206Met)

Gene: CEBPA (CCAAT enhancer binding protein alpha; minus strand). Cytogenetic location: 19q13.11.
Variant type: single nucleotide variant.
Coding change: c.616C>A on transcript NM_004364.5 (MANE Select); coding-DNA position 616, C replaced by A.
Protein change: p.Leu206Met; replaces leucine 206 with methionine.
Molecular consequence: missense variant.
Genome position (GRCh38, 1-based): chr19:33,301,799, G>T on the plus strand (C>A on the coding strand, the complement: CEBPA is on the minus strand). VCF-style: chr19-33301799-G-T. GRCh37 (hg19) VCF-style: chr19-33792705-G-T.
Other names: c.259C>A, p.Leu87Met (NM_001285829.2); c.721C>A, p.Leu241Met (NM_001287424.2); c.574C>A, p.Leu192Met (NM_001287435.2); short protein forms L206M, L241M, L87M, L192M.
Identifiers: ClinVar variation 2196777 (VCV002196777.4), dbSNP rs2513329981, ClinGen allele CA405274576.